The following is an entry in ClinVar:

ClinVar aggregate classification (germline): Uncertain significance. Review status: criteria provided, multiple submitters, no conflicts (2 of 4 stars). 2 submissions from 2 submitters: Uncertain significance (2). Last evaluated 2025-11-24.

Conditions:
Inborn genetic diseases. Identifiers: MedGen C0950123, MeSH D030342.

Allele frequency attached by ClinVar (database versions not stated): TOPMed below 0.00001; ExAC 0.00002; gnomAD exomes 0.00001.
gnomAD v4.1: 11 of 1,614,192 alleles (0.00068%); highest among the groups gnomAD compares: South Asian, 0.0099%; no homozygotes.

Submissions (2):

Labcorp Genetics (formerly Invitae), Labcorp
Classification: Uncertain significance. Last evaluated: 2025-11-24. Review status: criteria provided, single submitter. Criteria: Invitae Variant Classification Sherloc (09022015). Collection method: clinical testing. Allele origin: germline.
Comment: This sequence change replaces glutamic acid, which is acidic and polar, with aspartic acid, which is acidic and polar, at codon 179 of the SAMD9L protein (p.Glu179Asp). This variant is present in population databases (rs748965019, gnomAD 0.02%). This variant has not been reported in the literature in individuals affected with SAMD9L-related conditions. ClinVar contains an entry for this variant (Variation ID: 2061456). An algorithm developed to predict the effect of missense changes on protein structure and function (PolyPhen-2) suggests that this variant is likely to be disruptive. In summary, the available evidence is currently insufficient to determine the role of this variant in disease. Therefore, it has been classified as a Variant of Uncertain Significance.

Ambry Genetics
Classification: Uncertain significance for Inborn genetic diseases. Last evaluated: 2025-01-03. Review status: criteria provided, single submitter. Criteria: Ambry Variant Classification Scheme 2023. Collection method: clinical testing. Allele origin: germline.
Comment: The p.E179D variant (also known as c.537A>C), located in coding exon 1 of the SAMD9L gene, results from an A to C substitution at nucleotide position 537. The glutamic acid at codon 179 is replaced by aspartic acid, an amino acid with highly similar properties. This amino acid position is conserved. In addition, this alteration is predicted to be tolerated by in silico analysis. Based on the available evidence, the clinical significance of this variant remains unclear.

NM_152703.5(SAMD9L):c.537A>C (p.Glu179Asp)

Gene: SAMD9L (sterile alpha motif domain containing 9 like; minus strand). Cytogenetic location: 7q21.2.
Variant type: single nucleotide variant.
Coding change: c.537A>C on transcript NM_152703.5 (MANE Select); coding-DNA position 537, A replaced by C.
Protein change: p.Glu179Asp; replaces glutamic acid 179 with aspartic acid.
Molecular consequence: missense variant.
Genome position (GRCh38, 1-based): chr7:93,135,435, T>G on the plus strand (A>C on the coding strand, the complement: SAMD9L is on the minus strand). VCF-style: chr7-93135435-T-G. GRCh37 (hg19) VCF-style: chr7-92764748-T-G.
Other names: c.537A>C (NM_152703.2); c.537A>C, p.Glu179Asp (NM_001303496.3, NM_001303497.3, NM_001303498.3 and 5 more transcripts); short protein forms E179D.
Identifiers: ClinVar variation 2061456 (VCV002061456.5), dbSNP rs748965019, ClinGen allele CA4343853.